The following is an entry in ClinVar:

NM_016335.6(PRODH):c.543C>A (p.Tyr181Ter)

Gene: PRODH (proline dehydrogenase 1; minus strand). Cytogenetic location: 22q11.21.
Variant type: single nucleotide variant.
Coding change: c.543C>A on transcript NM_016335.6 (MANE Select); coding-DNA position 543, C replaced by A.
Protein change: p.Tyr181Ter; replaces tyrosine 181 with a stop codon.
Molecular consequence: nonsense.
Genome position (GRCh38, 1-based): chr22:18,925,175, G>T on the plus strand (C>A on the coding strand, the complement: PRODH is on the minus strand). VCF-style: chr22-18925175-G-T. GRCh37 (hg19) VCF-style: chr22-18912688-G-T.
Other names: c.219C>A, p.Tyr73Ter (NM_001195226.2, NM_001368250.2); short protein forms Y181*, Y73*.
Identifiers: ClinVar variation 1974075 (VCV001974075.5), dbSNP rs2517455884, ClinGen allele CA410649394.

ClinVar aggregate classification (germline): Pathogenic (1 of 4 stars; one submission).

Conditions:
Proline dehydrogenase deficiency (HYRPRO1). Also called: Hyperprolinemia type 1; PROLINE OXIDASE DEFICIENCY. Identifiers: Orphanet 419, MedGen C0268529, MONDO:0009400, OMIM 239500.

Submission:

Labcorp Genetics (formerly Invitae), Labcorp
Classification: Pathogenic for Proline dehydrogenase deficiency. Last evaluated: 2022-07-13. Review status: criteria provided, single submitter. Criteria: Invitae Variant Classification Sherloc (09022015). Collection method: clinical testing. Allele origin: germline.
Comment: This variant is not present in population databases (gnomAD no frequency). For these reasons, this variant has been classified as Pathogenic. This variant has not been reported in the literature in individuals affected with PRODH-related conditions. This sequence change creates a premature translational stop signal (p.Tyr181*) in the PRODH gene. It is expected to result in an absent or disrupted protein product. Loss-of-function variants in PRODH are known to be pathogenic (PMID: 12525555, 15662599, 19736351).

Literature cited by the submitters: PubMed 12525555; PubMed 15662599; PubMed 19736351.